The following is an entry in ClinVar:

ClinVar aggregate classification (germline): Pathogenic. Review status: criteria provided, multiple submitters, no conflicts (2 of 4 stars). 3 submissions from 3 submitters: Pathogenic (3). Last evaluated 2025-12-03.

Conditions:
Inherited ovarian cancer (without breast cancer).
Hereditary cancer-predisposing syndrome. Also called: Neoplastic Syndromes, Hereditary; Hereditary Cancer Syndrome; Hereditary neoplastic syndrome; Tumor predisposition. Identifiers: Orphanet 140162, MedGen C0027672, MeSH D009386, MONDO:0015356.
Hereditary breast ovarian cancer syndrome. Also called: BRCA1- and BRCA2-Associated Hereditary Breast and Ovarian Cancer; Hereditary breast and ovarian cancer syndrome; Hereditary breast and ovarian cancer; Hereditary breast and ovarian cancer syndrome (HBOC); Breast and ovarian cancer; Hereditary breast and/or ovarian cancer syndrome. Identifiers: Orphanet 145, MedGen C0677776, MeSH D061325, MONDO:0003582. Disease mechanism: loss of function.

Submissions (3):

Ambry Genetics
Classification: Pathogenic for Hereditary cancer-predisposing syndrome. Last evaluated: 2025-12-03. Review status: criteria provided, single submitter. Criteria: Ambry Variant Classification Scheme 2023. Collection method: clinical testing. Allele origin: germline.
Comment: The c.4654delT pathogenic mutation, located in coding exon 13 of the BRCA1 gene, results from a deletion of one nucleotide at nucleotide position 4654, causing a translational frameshift with a predicted alternate stop codon (p.Y1552Tfs*7). This variant is considered to be rare based on population cohorts in the Genome Aggregation Database (gnomAD). This alteration is expected to result in loss of function by premature protein truncation or nonsense-mediated mRNA decay. As such, this alteration is interpreted as a disease-causing mutation.

Genomics and Molecular Medicine Service, East Genomic Laboratory Hub, NHS Genomic Medicine Service
Classification: Pathogenic for Inherited ovarian cancer (without breast cancer). Last evaluated: 2024-07-15. Review status: criteria provided, single submitter. Criteria: ACGS Best Practice Guidelines for Variant Classification in Rare Disease 2020. Collection method: clinical testing. Allele origin: germline. Affected: yes.
Comment: PVS1,PM2,PM5_Strong

Labcorp Genetics (formerly Invitae), Labcorp
Classification: Pathogenic for Hereditary breast ovarian cancer syndrome. Last evaluated: 2022-01-01. Review status: criteria provided, single submitter. Criteria: Invitae Variant Classification Sherloc (09022015). Collection method: clinical testing. Allele origin: germline.
Comment: For these reasons, this variant has been classified as Pathogenic. This variant has not been reported in the literature in individuals affected with BRCA1-related conditions. This variant is not present in population databases (gnomAD no frequency). This sequence change creates a premature translational stop signal (p.Tyr1552Thrfs*7) in the BRCA1 gene. It is expected to result in an absent or disrupted protein product. Loss-of-function variants in BRCA1 are known to be pathogenic (PMID: 20104584).

Literature cited by the submitters: PubMed 20104584 (cited by Labcorp Genetics (formerly Invitae), Labcorp).

NM_007294.4(BRCA1):c.4654del (p.Tyr1552fs)

Gene: BRCA1 (BRCA1 DNA repair associated; minus strand). Cytogenetic location: 17q21.31.
Variant type: Deletion.
Coding change: c.4654del on transcript NM_007294.4 (MANE Select); coding-DNA position 4654, one base deleted (T; older notation c.4654delT).
Protein change: p.Tyr1552fs; shifts the reading frame from tyrosine 1552.
Molecular consequence: frameshift variant. On other transcripts: non-coding transcript variant (1).
Genome position (GRCh38, 1-based): chr17:43,074,352, A deleted on the plus strand (T on the coding strand, the reverse complement: BRCA1 is on the minus strand); the first of 2 consecutive A bases (chr17:43,074,352-43,074,353); deleting either gives the same sequence. VCF-style (leftmost placement, unchanged base first): chr17-43074351-TA-T. GRCh37 (hg19) VCF-style: chr17-41226368-TA-T.
Other names: c.4440delT, p.Tyr1481Thrfs (NM_001407571.1, NM_001407894.1, NM_001407895.1 and 12 more transcripts); c.4719delT, p.Tyr1574Thrfs (NM_001407581.1, NM_001407582.1); c.4716delT, p.Tyr1573Thrfs (NM_001407583.1, NM_001407585.1, NM_001407587.1); c.4713delT, p.Tyr1572Thrfs (NM_001407590.1, NM_001407591.1); c.4653delT, p.Tyr1552Thrfs (NM_001407593.1, NM_001407594.1, NM_001407596.1 and 8 more transcripts); c.4650delT, p.Tyr1551Thrfs (NM_001407610.1, NM_001407611.1, NM_001407612.1 and 17 more transcripts); c.4647delT, p.Tyr1550Thrfs (NM_001407627.1, NM_001407628.1, NM_001407629.1 and 14 more transcripts); c.4644delT, p.Tyr1549Thrfs (NM_001407644.1, NM_001407645.1); and 72 more; short protein forms Y1505fs, Y1552fs, Y1573fs, Y448fs.
Identifiers: ClinVar variation 1437343 (VCV001437343.11), dbSNP rs2153991069, ClinGen allele CA2573154045.